The following is an entry in ClinVar:

NM_015102.5(NPHP4):c.1966G>A (p.Asp656Asn)

Gene: NPHP4 (nephrocystin 4; minus strand). Cytogenetic location: 1p36.31.
Variant type: single nucleotide variant.
Coding change: c.1966G>A on transcript NM_015102.5 (MANE Select); coding-DNA position 1966, G replaced by A.
Protein change: p.Asp656Asn; replaces aspartic acid 656 with asparagine.
Molecular consequence: missense variant. On other transcripts: non-coding transcript variant (1).
Genome position (GRCh38, 1-based): chr1:5,904,794, C>T on the plus strand (G>A on the coding strand, the complement: NPHP4 is on the minus strand). VCF-style: chr1-5904794-C-T. GRCh37 (hg19) VCF-style: chr1-5964854-C-T.
Other names: c.427G>A, p.Asp143Asn (NM_001291593.2); c.430G>A, p.Asp144Asn (NM_001291594.2); short protein forms D656N, D143N, D144N.
Identifiers: ClinVar variation 194659 (VCV000194659.24), dbSNP rs191602135, ClinGen allele CA201288.

ClinVar aggregate classification (germline): Benign/Likely benign. Review status: criteria provided, multiple submitters, no conflicts (2 of 4 stars). 8 submissions from 7 submitters: Benign (5); Likely benign (1). 2 of the submissions do not count toward it. Last evaluated 2026-01-02.

Conditions:
Nephronophthisis. Also called: Juvenile Nephronophthisis. Identifiers: Orphanet 655, MedGen C0687120, MONDO:0019005, HP:0000090.
Senior-Loken syndrome 4 (SLSN4). Identifiers: Orphanet 3156, MedGen C1846979, MONDO:0011756, OMIM 606996.
Nephronophthisis 4 (NPHP4). Also called: NEPHRONOPHTHISIS 4, JUVENILE. Identifiers: Orphanet 655, MedGen C1847013, MONDO:0011752, OMIM 606966.

Allele frequency attached by ClinVar (database versions not stated): 1000 Genomes Project 0.00280; 1000 Genomes Project 30x 0.00281; ESP Exome Variant Server 0.00008; gnomAD 0.00050 and 0.00057; TOPMed 0.00094; gnomAD exomes 0.00141; ExAC 0.00142.
gnomAD v4.1: 767 of 1,613,974 alleles (0.048%); highest among the groups gnomAD compares: East Asian, 1.3%; 7 homozygotes.

Submissions (8):

Labcorp Genetics (formerly Invitae), Labcorp
Classification: Benign for Nephronophthisis. Last evaluated: 2026-01-02. Review status: criteria provided, single submitter. Criteria: Invitae Variant Classification Sherloc (09022015). Collection method: clinical testing. Allele origin: germline.

Blueprint Genetics
Classification: Likely benign. Last evaluated: 2024-06-24. Review status: criteria provided, single submitter. Criteria: ACMG Guidelines, 2015. Collection method: clinical testing. Allele origin: germline.

Illumina Laboratory Services, Illumina
Classification: Benign for Nephronophthisis 4. Last evaluated: 2018-01-13. Review status: criteria provided, single submitter. Criteria: ICSL Variant Classification Criteria 13 December 2019. Collection method: clinical testing. Allele origin: germline.
Comment: This variant was observed in the ICSL laboratory as part of a predisposition screen in an ostensibly healthy population. It had not been previously curated by ICSL or reported in the Human Gene Mutation Database (HGMD: prior to June 1st, 2018), and was therefore a candidate for classification through an automated scoring system. Utilizing variant allele frequency, disease prevalence and penetrance estimates, and inheritance mode, an automated score was calculated to assess if this variant is too frequent to cause the disease. Based on the score and internal cut-off values, a variant classified as benign is not then subjected to further curation. The score for this variant resulted in a classification of benign for this disease.

Illumina Laboratory Services, Illumina
Classification: Benign for Senior-Loken syndrome 4. Last evaluated: 2018-01-13. Review status: criteria provided, single submitter. Criteria: ICSL Variant Classification Criteria 13 December 2019. Collection method: clinical testing. Allele origin: germline.
Comment: the same text as in the submission from Illumina Laboratory Services, Illumina above.

Eurofins Ntd Llc (ga)
Classification: Benign. Last evaluated: 2015-04-21. Review status: criteria provided, single submitter. Criteria: EGL Classification Definitions 2015. Collection method: clinical testing. Allele origin: germline. Observed: 1 variant allele, 1 heterozygote.

Breakthrough Genomics
Classification: Benign. Review status: criteria provided, single submitter. Criteria: ACMG Guidelines, 2015. Collection method: not provided. Allele origin: germline. Inheritance: Autosomal recessive inheritance. Affected: yes.

Clinical Genetics DNA and cytogenetics Diagnostics Lab, Erasmus MC, Erasmus Medical Center
Classification: Likely benign. Review status: no assertion criteria provided. Collection method: clinical testing. Allele origin: germline. Affected: yes. Study: VKGL Data-share Consensus. Not counted in ClinVar's aggregate classification.

Clinical Genetics, Academic Medical Center
Classification: Benign. Review status: no assertion criteria provided. Collection method: clinical testing. Allele origin: germline. Affected: yes. Study: VKGL Data-share Consensus. Not counted in ClinVar's aggregate classification.